The following is an entry in ClinVar:

NM_003052.5(SLC34A1):c.1087T>C (p.Cys363Arg)

Gene: SLC34A1 (solute carrier family 34 member 1; plus strand). Cytogenetic location: 5q35.3.
Variant type: single nucleotide variant.
Coding change: c.1087T>C on transcript NM_003052.5 (MANE Select); coding-DNA position 1087, T replaced by C.
Protein change: p.Cys363Arg; replaces cysteine 363 with arginine.
Molecular consequence: missense variant.
Genome position (GRCh38, 1-based): chr5:177,394,108, T>C. VCF-style: chr5-177394108-T-C. GRCh37 (hg19) VCF-style: chr5-176821109-T-C.
Other names: short protein forms C363R.
Identifiers: ClinVar variation 1020657 (VCV001020657.10), dbSNP rs1762887380, ClinGen allele CA362312339.

ClinVar aggregate classification (germline): Uncertain significance (1 of 4 stars; one submission).

Allele frequency attached by ClinVar (database versions not stated): gnomAD exomes 0.00001.
gnomAD v4.1: 9 of 1,613,936 alleles (0.00056%); highest among the groups gnomAD compares: Non-Finnish European, 0.00076%; no homozygotes.

Submission:

Labcorp Genetics (formerly Invitae), Labcorp
Classification: Uncertain significance. Last evaluated: 2020-01-31. Review status: criteria provided, single submitter. Criteria: Invitae Variant Classification Sherloc (09022015). Collection method: clinical testing. Allele origin: germline.
Comment: This sequence change replaces cysteine with arginine at codon 363 of the SLC34A1 protein (p.Cys363Arg). The cysteine residue is highly conserved and there is a large physicochemical difference between cysteine and arginine. In summary, the available evidence is currently insufficient to determine the role of this variant in disease. Therefore, it has been classified as a Variant of Uncertain Significance. Algorithms developed to predict the effect of missense changes on protein structure and function are either unavailable or do not agree on the potential impact of this missense change (SIFT: "Deleterious"; PolyPhen-2: "Possibly Damaging"; Align-GVGD: "Class C0"). This variant has not been reported in the literature in individuals with SLC34A1-related conditions. This variant is not present in population databases (ExAC no frequency).